The following is an entry in ClinVar:

NM_001148.6(ANK2):c.3103C>T (p.Pro1035Ser)

Gene: ANK2 (ankyrin 2; plus strand). Cytogenetic location: 4q26.
Variant type: single nucleotide variant.
Coding change: c.3103C>T on transcript NM_001148.6 (MANE Select); coding-DNA position 3103, C replaced by T.
Protein change: p.Pro1035Ser; replaces proline 1035 with serine.
Molecular consequence: missense variant.
Genome position (GRCh38, 1-based): chr4:113,330,448, C>T. VCF-style: chr4-113330448-C-T. GRCh37 (hg19) VCF-style: chr4-114251604-C-T.
Other names: c.3115C>T, p.Pro1039Ser (NM_001354225.2); c.3103C>T, p.Pro1035Ser (NM_001354228.2, NM_001354258.2, NM_020977.5); c.3181C>T, p.Pro1061Ser (NM_001354230.2, NM_001354237.2); c.3145C>T, p.Pro1049Ser (NM_001354231.2, NM_001354242.2); c.3139C>T, p.Pro1047Ser (NM_001354232.2); c.3100C>T, p.Pro1034Ser (NM_001354235.2, NM_001354236.2, NM_001354246.2 and 1 more transcripts); c.3073C>T, p.Pro1025Ser (NM_001354239.2, NM_001354252.2, NM_001354272.2); c.3148C>T, p.Pro1050Ser (NM_001354240.2, NM_001354241.2, NM_001386144.1); and 23 more; short protein forms P1001S, P1002S, P1006S, P1013S, P1014S, P1016S, P1018S, P1021S.
Identifiers: ClinVar variation 4086718 (VCV004086718.1).

ClinVar aggregate classification (germline): Uncertain significance (1 of 4 stars; one submission).

Submission:

GeneDx
Classification: Uncertain significance. Last evaluated: 2025-03-20. Review status: criteria provided, single submitter. Criteria: GeneDx Variant Classification Process June 2021. Collection method: clinical testing. Allele origin: germline. Affected: yes.
Comment: Not observed at significant frequency in large population cohorts (gnomAD); In silico analysis supports that this missense variant has a deleterious effect on protein structure/function; Has not been previously published as pathogenic or benign to our knowledge